The following is an entry in ClinVar:

NM_005751.5(AKAP9):c.5953del (p.Ala1985fs)

Gene: AKAP9 (A-kinase anchoring protein 9; plus strand). Cytogenetic location: 7q21.2.
Variant type: Deletion.
Coding change: c.5953del on transcript NM_005751.5 (MANE Select); coding-DNA position 5953, one base deleted (G; older notation c.5953delG).
Protein change: p.Ala1985fs; shifts the reading frame from alanine 1985.
Molecular consequence: frameshift variant.
Genome position (GRCh38, 1-based): chr7:92,062,462, G deleted. VCF-style (leftmost placement, unchanged base first): chr7-92062461-AG-A. GRCh37 (hg19) VCF-style: chr7-91691775-AG-A.
Other names: c.598del, p.Ala200fs (NM_001379277.1); c.5953del, p.Ala1985fs (NM_147185.3); short protein forms A1985fs, A200fs.
Identifiers: ClinVar variation 2186518 (VCV002186518.4), dbSNP rs1245461590, ClinGen allele CA843819976.
Genomic context (GRCh38, chr7:92,062,461, plus strand): 5'-AGAGCAACAGCAGATCCAAGAAGAAAGAGAATTACTGTCCAGACAAAAGGAAGCTATGAA[AG>A]CAGAGGCAGGCCCAGTTGAACAACGTAAGTATTTTCAGAATTTGTATGAAACAGTCCTCT-3'

ClinVar aggregate classification (germline): Uncertain significance (1 of 4 stars; one submission).

Conditions:
Long QT syndrome (LQTS). Identifiers: MedGen C0023976, MeSH D008133, MONDO:0002442. Disease mechanism: loss of function. Inheritance: Various modes of inheritance.

Allele frequency attached by ClinVar (database versions not stated): TOPMed below 0.00001; gnomAD 0.00001.

Submission:

Labcorp Genetics (formerly Invitae), Labcorp
Classification: Uncertain significance for Long QT syndrome. Last evaluated: 2025-12-04. Review status: criteria provided, single submitter. Criteria: Invitae Variant Classification Sherloc (09022015). Collection method: clinical testing. Allele origin: germline.
Comment: This sequence change creates a premature translational stop signal (p.Ala1985Glnfs*17) in the AKAP9 gene. It is expected to result in an absent or disrupted protein product. However, the current clinical and genetic evidence is not sufficient to establish whether loss-of-function variants in AKAP9 cause disease. This variant is not present in population databases (gnomAD no frequency). This variant has not been reported in the literature in individuals affected with AKAP9-related conditions. ClinVar contains an entry for this variant (Variation ID: 2186518). In summary, the available evidence is currently insufficient to determine the role of this variant in disease. Therefore, it has been classified as a Variant of Uncertain Significance.